The following is an entry in ClinVar:

ClinVar aggregate classification (germline): Benign. Review status: criteria provided, multiple submitters, no conflicts (2 of 4 stars). 3 submissions from 3 submitters: Benign (2). 1 of the submissions does not count toward it. Last evaluated 2019-12-31.

Conditions:
PLXND1-related disorder. Also called: PLXND1-related condition.

Allele frequency attached by ClinVar (database versions not stated): ExAC 0.00418; 1000 Genomes Project 0.00639; gnomAD 0.00679 and 0.00737; 1000 Genomes Project 30x 0.00703; TOPMed 0.00801; ESP Exome Variant Server 0.00854.
gnomAD v4.1: 2,155 of 1,598,336 alleles (0.13%); highest among the groups gnomAD compares: African/African-American, 2.3%; 22 homozygotes.

Submissions (3):

Labcorp Genetics (formerly Invitae), Labcorp
Classification: Benign. Last evaluated: 2019-12-31. Review status: criteria provided, single submitter. Criteria: Invitae Variant Classification Sherloc (09022015). Collection method: clinical testing. Allele origin: germline.

Breakthrough Genomics
Classification: Benign. Review status: criteria provided, single submitter. Criteria: ACMG Guidelines, 2015. Collection method: not provided. Allele origin: germline. Inheritance: Unknown mechanism. Affected: yes.

PreventionGenetics, part of Exact Sciences
Classification: Benign for PLXND1-related condition. Last evaluated: 2019-03-19. Review status: no assertion criteria provided. Collection method: clinical testing. Allele origin: germline. Not counted in ClinVar's aggregate classification.
Comment: This variant is classified as benign based on ACMG/AMP sequence variant interpretation guidelines (Richards et al. 2015 PMID: 25741868, with internal and published modifications).

NM_015103.3(PLXND1):c.1513G>C (p.Val505Leu)

Gene: PLXND1 (plexin D1; minus strand). Cytogenetic location: 3q22.1.
Variant type: single nucleotide variant.
Coding change: c.1513G>C on transcript NM_015103.3 (MANE Select); coding-DNA position 1513, G replaced by C.
Protein change: p.Val505Leu; replaces valine 505 with leucine.
Molecular consequence: missense variant.
Genome position (GRCh38, 1-based): chr3:129,586,695, C>G on the plus strand (G>C on the coding strand, the complement: PLXND1 is on the minus strand). VCF-style: chr3-129586695-C-G. GRCh37 (hg19) VCF-style: chr3-129305538-C-G.
Other names: short protein forms V505L.
Identifiers: ClinVar variation 716852 (VCV000716852.7), dbSNP rs80349132, ClinGen allele CA2609350.
Genomic context (GRCh38, chr3:129,586,695, plus strand): 5'-ACTGCATGACATGGTGCACGGGCTCCCCATAGGCCACAGTCACCACCCGCCTGCTCACCA[C>G]CTGCATGCTCTCGTTCAGGTTGATCTGTGGGGGTAGTGGGCATCAGGGTGCTGGAGCCCA-3'
Protein context (NP_055918.3, residues 495-515): LKINLNESMQ[Val505Leu]VSRRVVTVAY